The following is an entry in ClinVar:

NM_005634.3(SOX3):c.754G>A (p.Val252Met)

Gene: SOX3 (SRY-box transcription factor 3; minus strand). Cytogenetic location: Xq27.1.
Variant type: single nucleotide variant.
Coding change: c.754G>A on transcript NM_005634.3 (MANE Select); coding-DNA position 754, G replaced by A.
Protein change: p.Val252Met; replaces valine 252 with methionine.
Molecular consequence: missense variant.
Genome position (GRCh38, 1-based): chrX:140,504,307, C>T on the plus strand (G>A on the coding strand, the complement: SOX3 is on the minus strand). VCF-style: chrX-140504307-C-T. GRCh37 (hg19) VCF-style: chrX-139586472-C-T.
Other names: short protein forms V252M.
Identifiers: ClinVar variation 1399103 (VCV001399103.6), dbSNP rs2148334545, ClinGen allele CA414478064.
Genomic context (GRCh38, chrX:140,504,307, plus strand): 5'-ACGCGCCGTTGGCCCAGCCGTTCACGTGCGTGTACGTGTCCAGGCGCTGGCCCACGCCCA[C>T]CGGACTGCTGGCGGCAGCGGCTGCGGCCGCGGCAGCGGCGGCGGCGGCCGCGGCACCGGG-3'
Protein context (NP_005625.2, residues 242-262): AAAAAAASSP[Val252Met]GVGQRLDTYT

ClinVar aggregate classification (germline): Uncertain significance (1 of 4 stars; one submission).

Submission:

Labcorp Genetics (formerly Invitae), Labcorp
Classification: Uncertain significance. Last evaluated: 2021-10-11. Review status: criteria provided, single submitter. Criteria: Invitae Variant Classification Sherloc (09022015). Collection method: clinical testing. Allele origin: germline.
Comment: In summary, the available evidence is currently insufficient to determine the role of this variant in disease. Therefore, it has been classified as a Variant of Uncertain Significance. Algorithms developed to predict the effect of missense changes on protein structure and function are either unavailable or do not agree on the potential impact of this missense change (SIFT: "Deleterious"; PolyPhen-2: "Probably Damaging"; Align-GVGD: "Class C0"). This variant has not been reported in the literature in individuals affected with SOX3-related conditions. The frequency data for this variant in the population databases is considered unreliable, as metrics indicate insufficient coverage at this position in the ExAC database. This sequence change replaces valine with methionine at codon 252 of the SOX3 protein (p.Val252Met). The valine residue is highly conserved and there is a small physicochemical difference between valine and methionine.